The following is an entry in ClinVar:

NM_002474.3(MYH11):c.4015C>T (p.Arg1339Cys)

Genes: MYH11 (myosin heavy chain 11; minus strand), NDE1 (nudE neurodevelopment protein 1; plus strand). Cytogenetic location: 16p13.11.
Variant type: single nucleotide variant.
Coding change: c.4015C>T on transcript NM_002474.3 (MANE Select); coding-DNA position 4015, C replaced by T.
Protein change: p.Arg1339Cys; replaces arginine 1339 with cysteine.
Molecular consequence: missense variant. On other transcripts: 3 prime UTR variant (2).
Genome position (GRCh38, 1-based): chr16:15,724,748, G>A on the plus strand (C>T on the coding strand, the complement: MYH11 is on the minus strand). VCF-style: chr16-15724748-G-A. GRCh37 (hg19) VCF-style: chr16-15818605-G-A.
Other names: c.4036C>T, p.Arg1346Cys (NM_001040113.2, NM_001040114.2); c.4015C>T, p.Arg1339Cys (NM_022844.3); c.*497G>A (NM_001143979.2, NM_017668.3); short protein forms R1346C, R1339C.
Identifiers: ClinVar variation 465734 (VCV000465734.8), dbSNP rs754951425, ClinGen allele CA7921807.

ClinVar aggregate classification (germline): Uncertain significance. Review status: criteria provided, multiple submitters, no conflicts (2 of 4 stars). 2 submissions from 2 submitters: Uncertain significance (2). Last evaluated 2024-05-16.

Conditions:
Familial thoracic aortic aneurysm and aortic dissection (TAAD). Also called: Thoracic aortic aneurysms and dissections. Identifiers: Orphanet 91387, MedGen C4707243, MONDO:0019625.
Aortic aneurysm, familial thoracic 4 (AAT4). Also called: AORTIC ANEURYSM/AORTIC DISSECTION AND PATENT DUCTUS ARTERIOSUS. Identifiers: MedGen C1851504, MONDO:0007568, OMIM 132900.

Allele frequency attached by ClinVar (database versions not stated): gnomAD exomes below 0.00001; ExAC 0.00001.
gnomAD v4.1: 9 of 1,614,074 alleles (0.00056%); highest among the groups gnomAD compares: African/African-American, 0.0013%; no homozygotes.

Submissions (2):

Labcorp Genetics (formerly Invitae), Labcorp
Classification: Uncertain significance for Aortic aneurysm, familial thoracic 4. Last evaluated: 2024-05-16. Review status: criteria provided, single submitter. Criteria: Invitae Variant Classification Sherloc (09022015). Collection method: clinical testing. Allele origin: germline.
Comment: This sequence change replaces arginine, which is basic and polar, with cysteine, which is neutral and slightly polar, at codon 1346 of the MYH11 protein (p.Arg1346Cys). This variant is present in population databases (rs754951425, gnomAD 0.003%). This variant has not been reported in the literature in individuals affected with MYH11-related conditions. ClinVar contains an entry for this variant (Variation ID: 465734). Advanced modeling of protein sequence and biophysical properties (such as structural, functional, and spatial information, amino acid conservation, physicochemical variation, residue mobility, and thermodynamic stability) has been performed at Invitae for this missense variant, however the output from this modeling did not meet the statistical confidence thresholds required to predict the impact of this variant on MYH11 protein function. In summary, the available evidence is currently insufficient to determine the role of this variant in disease. Therefore, it has been classified as a Variant of Uncertain Significance.

Color Diagnostics, LLC DBA Color Health
Classification: Uncertain significance for Familial thoracic aortic aneurysm and aortic dissection. Last evaluated: 2023-10-18. Review status: criteria provided, single submitter. Criteria: ACMG Guidelines, 2015. Collection method: clinical testing. Allele origin: germline.
Comment: This missense variant replaces arginine with cysteine at codon 1346 of the MYH11 protein. Computational prediction suggests that this variant may have deleterious impact on protein structure and function. To our knowledge, functional studies have not been reported for this variant. This variant has not been reported in individuals affected with MYH11-related disorders in the literature. This variant has been identified in 1/251014 chromosomes in the general population by the Genome Aggregation Database (gnomAD). The available evidence is insufficient to determine the role of this variant in disease conclusively. Therefore, this variant is classified as a Variant of Uncertain Significance.